The following is an entry in ClinVar:

ClinVar aggregate classification (germline): Uncertain significance (1 of 4 stars; one submission).

gnomAD v4.1: 2 of 1,613,306 alleles (0.00012%); highest among the groups gnomAD compares: African/African-American, 0.0027%; no homozygotes.

Submission:

Labcorp Genetics (formerly Invitae), Labcorp
Classification: Uncertain significance. Last evaluated: 2024-11-27. Review status: criteria provided, single submitter. Criteria: Invitae Variant Classification Sherloc (09022015). Collection method: clinical testing. Allele origin: germline.
Comment: This sequence change creates a premature translational stop signal (p.Gln604*) in the SAMD9 gene. While this is not anticipated to result in nonsense mediated decay, it is expected to disrupt the last 986 amino acid(s) of the SAMD9 protein. This variant is not present in population databases (gnomAD no frequency). This variant has not been reported in the literature in individuals affected with SAMD9-related conditions. Experimental studies and prediction algorithms are not available or were not evaluated, and the functional significance of this variant is currently unknown. In summary, the available evidence is currently insufficient to determine the role of this variant in disease. Therefore, it has been classified as a Variant of Uncertain Significance.

NM_017654.4(SAMD9):c.1810C>T (p.Gln604Ter)

Gene: SAMD9 (sterile alpha motif domain containing 9; minus strand). Cytogenetic location: 7q21.2.
Variant type: single nucleotide variant.
Coding change: c.1810C>T on transcript NM_017654.4 (MANE Select); coding-DNA position 1810, C replaced by T.
Protein change: p.Gln604Ter; replaces glutamine 604 with a stop codon.
Molecular consequence: nonsense.
Genome position (GRCh38, 1-based): chr7:93,104,288, G>A on the plus strand (C>T on the coding strand, the complement: SAMD9 is on the minus strand). VCF-style: chr7-93104288-G-A. GRCh37 (hg19) VCF-style: chr7-92733601-G-A.
Other names: c.1810C>T, p.Gln604Ter (NM_001193307.2); short protein forms Q604*.
Identifiers: ClinVar variation 3617046 (VCV003617046.2).